The following is an entry in ClinVar:

NM_001267550.2(TTN):c.89230G>A (p.Ala29744Thr)

Genes: TTN-AS1 (TTN antisense RNA 1; plus strand), TTN (titin; minus strand). Cytogenetic location: 2q31.2.
Variant type: single nucleotide variant.
Coding change: c.89230G>A on transcript NM_001267550.2 (MANE Select); coding-DNA position 89230, G replaced by A.
Protein change: p.Ala29744Thr; replaces alanine 29744 with threonine.
Molecular consequence: missense variant.
Genome position (GRCh38, 1-based): chr2:178,553,775, C>T on the plus strand (G>A on the coding strand, the complement: TTN is on the minus strand). VCF-style: chr2-178553775-C-T. GRCh37 (hg19) VCF-style: chr2-179418502-C-T.
Other names: c.84307G>A, p.Ala28103Thr (NM_001256850.1); c.62035G>A, p.Ala20679Thr (NM_003319.4); c.81526G>A, p.Ala27176Thr (NM_133378.4); c.62410G>A, p.Ala20804Thr (NM_133432.3); c.62611G>A, p.Ala20871Thr (NM_133437.4); short protein forms A27176T, A29744T, A20804T, A20871T, A20679T, A28103T.
Identifiers: ClinVar variation 332737 (VCV000332737.17), dbSNP rs201592005, ClinGen allele CA1987958.

ClinVar aggregate classification (germline): Conflicting classifications of pathogenicity. Review status: criteria provided, conflicting classifications (1 of 4 stars). 11 submissions from 7 submitters: Uncertain significance (9); Likely benign (1). 1 of the submissions does not count toward it. Last evaluated 2021-12-06.

Conditions:
Dilated cardiomyopathy 1G (CMD1G). Identifiers: Orphanet 154, MedGen C1858763, MONDO:0011400, OMIM 604145.
Autosomal recessive limb-girdle muscular dystrophy type 2J (LGMDR10). Also called: Limb-girdle muscular dystrophy, type 2J; MUSCULAR DYSTROPHY, LIMB-GIRDLE, AUTOSOMAL RECESSIVE 10. Identifiers: Orphanet 140922, MedGen C1837342, MONDO:0012127, OMIM 608807.
Myopathy, myofibrillar, 9, with early respiratory failure (MFM9). Also called: Hereditary myopathy with early respiratory failure; Myopathy, distal, with early respiratory failure, autosomal dominant; EDSTROM MYOPATHY; MYOPATHY, PROXIMAL, WITH EARLY RESPIRATORY MUSCLE INVOLVEMENT. Identifiers: Orphanet 178464, Orphanet 34521, MedGen C1863599, MONDO:0011362, OMIM 603689.
Hypertrophic cardiomyopathy 9. Also called: Familial hypertrophic cardiomyopathy 9. Identifiers: MedGen C1861065, MONDO:0013412, OMIM 613765.
Early-onset myopathy with fatal cardiomyopathy (CMYO5). Also called: Salih Myopathy; CONGENITAL MYOPATHY 5 WITH CARDIOMYOPATHY. Identifiers: Orphanet 289377, MedGen C2673677, MONDO:0012714, OMIM 611705. Disease mechanism: loss of function.
Tibial muscular dystrophy (TMD). Also called: Tibial muscular dystrophy, tardive; UDD MYOPATHY; Udd Distal Myopathy – Tibial Muscular Dystrophy. Identifiers: Orphanet 609, MedGen C1838244, MONDO:0010870, OMIM 600334.
TTN-related disorder. Also called: TTN-related disorders; TTN-related condition; TTN-related disease.

Allele frequency attached by ClinVar (database versions not stated): ExAC 0.00002; gnomAD exomes 0.00003 and 0.00004; gnomAD 0.00004 and 0.00005; TOPMed 0.00005; ESP Exome Variant Server 0.00016.
gnomAD v4.1: 46 of 1,604,090 alleles (0.0029%); highest among the groups gnomAD compares: Middle Eastern, 0.017%; no homozygotes.

Submissions (11):

Fulgent Genetics
Classification: Uncertain significance for Tibial muscular dystrophy; Myopathy, myofibrillar, 9, with early respiratory failure; Dilated cardiomyopathy 1G; Autosomal recessive limb-girdle muscular dystrophy type 2J; Early-onset myopathy with fatal cardiomyopathy; Hypertrophic cardiomyopathy 9. Last evaluated: 2021-12-06. Review status: criteria provided, single submitter. Criteria: ACMG Guidelines, 2015. Collection method: clinical testing. Allele origin: unknown.

Blueprint Genetics
Classification: Likely benign. Last evaluated: 2021-09-02. Review status: criteria provided, single submitter. Criteria: ACMG Guidelines, 2015. Collection method: clinical testing. Allele origin: germline.

Mayo Clinic Laboratories, Mayo Clinic
Classification: Uncertain significance. Last evaluated: 2020-07-09. Review status: criteria provided, single submitter. Criteria: ACMG Guidelines, 2015. Collection method: clinical testing. Allele origin: germline. Observed: 1 variant allele.

Revvity Omics, Revvity
Classification: Uncertain significance. Last evaluated: 2020-02-24. Review status: criteria provided, single submitter. Criteria: ACMG Guidelines, 2015. Collection method: clinical testing. Allele origin: germline.

Illumina Laboratory Services, Illumina
Classification: Uncertain significance for Early-onset myopathy with fatal cardiomyopathy. Last evaluated: 2018-01-12. Review status: criteria provided, single submitter. Criteria: ICSL Variant Classification Criteria 13 December 2019. Collection method: clinical testing. Allele origin: germline.

Illumina Laboratory Services, Illumina
Classification: Uncertain significance for Dilated cardiomyopathy 1G. Last evaluated: 2018-01-12. Review status: criteria provided, single submitter. Criteria: ICSL Variant Classification Criteria 13 December 2019. Collection method: clinical testing. Allele origin: germline.

Illumina Laboratory Services, Illumina
Classification: Uncertain significance for Autosomal recessive limb-girdle muscular dystrophy type 2J. Last evaluated: 2018-01-12. Review status: criteria provided, single submitter. Criteria: ICSL Variant Classification Criteria 13 December 2019. Collection method: clinical testing. Allele origin: germline.

Illumina Laboratory Services, Illumina
Classification: Uncertain significance for Myopathy, myofibrillar, 9, with early respiratory failure. Last evaluated: 2018-01-12. Review status: criteria provided, single submitter. Criteria: ICSL Variant Classification Criteria 13 December 2019. Collection method: clinical testing. Allele origin: germline.

Illumina Laboratory Services, Illumina
Classification: Uncertain significance for Tibial muscular dystrophy. Last evaluated: 2018-01-12. Review status: criteria provided, single submitter. Criteria: ICSL Variant Classification Criteria 13 December 2019. Collection method: clinical testing. Allele origin: germline.

Labcorp Genetics (formerly Invitae), Labcorp
Classification: Uncertain significance for Dilated cardiomyopathy 1G; Autosomal recessive limb-girdle muscular dystrophy type 2J. Last evaluated: 2017-11-09. Review status: criteria provided, single submitter. Criteria: Invitae Variant Classification Sherloc (09022015). Collection method: clinical testing. Allele origin: germline.

PreventionGenetics, part of Exact Sciences
Classification: Uncertain significance for TTN-related condition. Last evaluated: 2024-06-23. Review status: no assertion criteria provided. Collection method: clinical testing. Allele origin: germline. Not counted in ClinVar's aggregate classification.
Comment: The TTN c.89230G>A variant is predicted to result in the amino acid substitution p.Ala29744Thr. To our knowledge, this variant has not been reported in the literature. This variant is reported in 0.0065% of alleles in individuals of African descent in gnomAD. At this time, the clinical significance of this variant is uncertain due to the absence of conclusive functional and genetic evidence.